The following is an entry in ClinVar:

NM_182641.4(BPTF):c.2398T>C (p.Trp800Arg)

Gene: BPTF (bromodomain PHD finger transcription factor; plus strand). Cytogenetic location: 17q24.2.
Variant type: single nucleotide variant.
Coding change: c.2398T>C on transcript NM_182641.4 (MANE Select); coding-DNA position 2398, T replaced by C.
Protein change: p.Trp800Arg; replaces tryptophan 800 with arginine.
Molecular consequence: missense variant.
Genome position (GRCh38, 1-based): chr17:67,893,712, T>C. VCF-style: chr17-67893712-T-C. GRCh37 (hg19) VCF-style: chr17-65889828-T-C.
Other names: c.2776T>C, p.Trp926Arg (NM_004459.7); short protein forms W800R, W926R.
Identifiers: ClinVar variation 3773974 (VCV003773974.1).
Genomic context (GRCh38, chr17:67,893,712, plus strand): 5'-CTGAGACTGACTATCACCCAATTAGAAAACAACATCCCTTCATCCTTTCTTCATCCCAAC[T>C]GGGCATCACATAGGTAAAGGAAACTAAGGTTAATTTATTGCTGTAAATATACTAAATGTT-3'
Protein context (NP_872579.2, residues 790-810): NIPSSFLHPN[Trp800Arg]ASHRANWIKA

ClinVar aggregate classification (germline): Uncertain significance (1 of 4 stars; one submission).

Submission:

GeneDx
Classification: Uncertain significance. Last evaluated: 2024-09-20. Review status: criteria provided, single submitter. Criteria: GeneDx Variant Classification Process June 2021. Collection method: clinical testing. Allele origin: germline. Affected: yes.
Comment: Not observed at significant frequency in large population cohorts (gnomAD); In silico analysis supports that this missense variant has a deleterious effect on protein structure/function; Has not been previously published as pathogenic or benign to our knowledge